The following is an entry in ClinVar:

NM_000286.3(PEX12):c.680_680+1delinsCA

Gene: PEX12 (peroxisomal biogenesis factor 12; minus strand). Cytogenetic location: 17q12.
Variant type: Indel.
Coding change: c.680_680+1delinsCA on transcript NM_000286.3 (MANE Select); coding-DNA position 680 through the canonical splice donor site of the intron after coding-DNA position 680, GG replaced by CA.
Molecular consequence: splice donor variant.
Genome position (GRCh38, 1-based): chr17:35,577,037-35,577,038, CC replaced by TG on the plus strand (GG replaced by CA on the coding strand, the reverse complement: PEX12 is on the minus strand). VCF-style: chr17-35577037-CC-TG. GRCh37 (hg19) VCF-style: chr17-33904056-CC-TG.
Identifiers: ClinVar variation 1453031 (VCV001453031.6), dbSNP rs2142230388, ClinGen allele CA2573153721.

ClinVar aggregate classification (germline): Pathogenic (1 of 4 stars; one submission).

Conditions:
Peroxisome biogenesis disorder 3A (Zellweger). Also called: PEROXISOMAL BIOGENESIS DISORDER 3A (ZELLWEGER); Peroxisome biogenesis disorder 3A. Identifiers: Orphanet 912, MedGen C3553929, MONDO:0013927, OMIM 614859.

Submission:

Labcorp Genetics (formerly Invitae), Labcorp
Classification: Pathogenic for Peroxisome biogenesis disorder 3A (Zellweger). Last evaluated: 2023-03-11. Review status: criteria provided, single submitter. Criteria: Invitae Variant Classification Sherloc (09022015). Collection method: clinical testing. Allele origin: germline.
Comment: This variant results in the deletion of part of exon 2 (c.680_680+1delinsCA) of the PEX12 gene. While this variant is not anticipated to result in nonsense mediated decay, it likely alters RNA splicing and results in a disrupted protein product. Information on the frequency of this variant in the gnomAD database is not available, as this variant may be reported differently in the database. This variant has not been reported in the literature in individuals affected with PEX12-related conditions. ClinVar contains an entry for this variant (Variation ID: 1453031). Variants that disrupt the consensus splice site are a relatively common cause of aberrant splicing (PMID: 17576681, 9536098). This variant disrupts a region of the PEX12 protein in which other variant(s) (p.Glu347Serfs*6) have been determined to be pathogenic (Invitae). This suggests that this is a clinically significant region of the protein, and that variants that disrupt it are likely to be disease-causing. For these reasons, this variant has been classified as Pathogenic.

Literature cited by the submitters: PubMed 17576681; PubMed 9536098.